The following is an entry in ClinVar:

ClinVar aggregate classification (germline): Pathogenic (1 of 4 stars; one submission).

Conditions:
Hereditary breast ovarian cancer syndrome. Also called: Hereditary breast and ovarian cancer; Hereditary breast and ovarian cancer syndrome; Hereditary breast and ovarian cancer syndrome (HBOC); Hereditary breast and/or ovarian cancer syndrome; Breast and ovarian cancer; BRCA1- and BRCA2-Associated Hereditary Breast and Ovarian Cancer. Identifiers: Orphanet 145, MedGen C0677776, MeSH D061325, MONDO:0003582. Disease mechanism: loss of function.

Submission:

Labcorp Genetics (formerly Invitae), Labcorp
Classification: Pathogenic for Hereditary breast ovarian cancer syndrome. Last evaluated: 2025-04-21. Review status: criteria provided, single submitter. Criteria: Invitae Variant Classification Sherloc (09022015). Collection method: clinical testing. Allele origin: germline.
Comment: This sequence change creates a premature translational stop signal (p.Glu1586Argfs*36) in the BRCA1 gene. It is expected to result in an absent or disrupted protein product. Loss-of-function variants in BRCA1 are known to be pathogenic (PMID: 20104584). This variant is not present in population databases (gnomAD no frequency). This variant has not been reported in the literature in individuals affected with BRCA1-related conditions. ClinVar contains an entry for this variant (Variation ID: 644358). For these reasons, this variant has been classified as Pathogenic.

Literature cited by the submitters: PubMed 20104584.

NM_007294.4(BRCA1):c.4754dup (p.Glu1586fs)

Gene: BRCA1 (BRCA1 DNA repair associated; minus strand). Cytogenetic location: 17q21.31.
Variant type: Duplication.
Coding change: c.4754dup on transcript NM_007294.4 (MANE Select); coding-DNA position 4754, one base duplicated (C; older notation c.4754dupC).
Protein change: p.Glu1586fs; shifts the reading frame from glutamic acid 1586.
Molecular consequence: frameshift variant. On other transcripts: non-coding transcript variant (1).
Genome position (GRCh38, 1-based): chr17:43,071,160, G duplicated on the plus strand (C on the coding strand, the reverse complement: BRCA1 is on the minus strand); the first of 4 consecutive G bases (chr17:43,071,160-43,071,163); duplicating any one gives the same sequence. VCF-style (leftmost placement, unchanged base first): chr17-43071159-T-TG. GRCh37 (hg19) VCF-style: chr17-41223176-T-TG.
Other names: c.4754dupC (NM_007294.3); c.4748dup, p.Glu1585Argfs (NM_001407617.1, NM_001407618.1, NM_001407619.1 and 17 more transcripts); c.4745dup, p.Glu1584Argfs (NM_001407627.1, NM_001407628.1, NM_001407629.1 and 14 more transcripts); c.4742dup, p.Glu1583Argfs (NM_001407644.1, NM_001407645.1); c.4739dup, p.Glu1582Argfs (NM_001407646.1); c.4736dup, p.Glu1581Argfs (NM_001407647.1); c.4694dup, p.Glu1567Argfs (NM_001407648.1); c.4691dup, p.Glu1566Argfs (NM_001407649.1); and 74 more; short protein forms E1539fs, E482fs, E1586fs, E1607fs.
Identifiers: ClinVar variation 644358 (VCV000644358.8), dbSNP rs1597831578, ClinGen allele CA915950112.
Genomic context (GRCh38, chr17:43,071,159, plus strand): 5'-CAATTGGGGAACTTTCAATGCAGAGGTTGAAGATGGTATGTTGCCAACACGAGCTGACTC[T>TG]GGGGCTCTGTCTTCAGAAGGATCAGATTCAGGGTCATCAGAGAAGAGGCTGATTCCAGAT-3'